The following is an entry in ClinVar:

NM_024301.5(FKRP):c.919T>A (p.Tyr307Asn)

Gene: FKRP (fukutin related protein; plus strand). Cytogenetic location: 19q13.32.
Variant type: single nucleotide variant.
Coding change: c.919T>A on transcript NM_024301.5 (MANE Select); coding-DNA position 919, T replaced by A.
Protein change: p.Tyr307Asn; replaces tyrosine 307 with asparagine.
Molecular consequence: missense variant.
Genome position (GRCh38, 1-based): chr19:46,756,369, T>A. VCF-style: chr19-46756369-T-A. GRCh37 (hg19) VCF-style: chr19-47259626-T-A.
Other names: c.919T>A, p.Tyr307Asn (NM_001039885.3); short protein forms Y307N.
Identifiers: ClinVar variation 4233 (VCV000004233.57), dbSNP rs104894692, ClinGen allele CA116724.

ClinVar aggregate classification (germline): Pathogenic/Likely pathogenic. Review status: criteria provided, multiple submitters, no conflicts (2 of 4 stars). 10 submissions from 9 submitters: Pathogenic (5); Likely pathogenic (2). 3 of the submissions do not count toward it. Last evaluated 2026-07-23.

Conditions:
Walker-Warburg congenital muscular dystrophy. Also called: Muscular dystrophy-dystroglycanopathy, type A; Walker-Warburg syndrome. Identifiers: Orphanet 899, MedGen C0265221, MONDO:0000171.
FKRP-related disorder. Also called: FKRP-related condition.
Cardiovascular phenotype. Identifiers: MedGen CN230736.
Autosomal recessive limb-girdle muscular dystrophy. Identifiers: Orphanet 102015, MedGen C2931907, MONDO:0015152.
Muscular dystrophy-dystroglycanopathy (congenital with brain and eye anomalies), type A5. Also called: WALKER-WARBURG SYNDROME OR MUSCLE-EYE-BRAIN DISEASE, FKRP-RELATED; MUSCULAR DYSTROPHY-DYSTROGLYCANOPATHY (CONGENITAL WITH BRAIN AND EYE ANOMALIES), TYPE A, 5. Identifiers: Orphanet 588, Orphanet 899, MedGen C3150413, MONDO:0013157, OMIM 613153.
Autosomal recessive limb-girdle muscular dystrophy type 2I. Also called: MUSCULAR DYSTROPHY-DYSTROGLYCANOPATHY (LIMB-GIRDLE), TYPE C, 5; MUSCULAR DYSTROPHY, LIMB-GIRDLE, TYPE 2I; MUSCULAR DYSTROPHY-DYSTROGLYCANOPATHY, LIMB-GIRDLE, FRKP-RELATED. Identifiers: Orphanet 34515, MedGen C1846672, MONDO:0011787, OMIM 607155.

Allele frequency attached by ClinVar (database versions not stated): gnomAD 0.00001; gnomAD exomes 0.00001; TOPMed 0.00003; ExAC 0.00006.
gnomAD v4.1: 9 of 1,562,032 alleles (0.00058%); highest among the groups gnomAD compares: Non-Finnish European, 0.00078%; no homozygotes.

Submissions (10):

Ambry Genetics
Classification: Likely pathogenic for Cardiovascular phenotype. Last evaluated: 2026-07-23. Review status: criteria provided, single submitter. Criteria: Ambry Variant Classification Scheme 2023. Collection method: clinical testing. Allele origin: germline.
Comment: The p.Y307N variant (also known as c.919T>A), located in coding exon 1 of the FKRP gene, results from a T to A substitution at nucleotide position 919. The tyrosine at codon 307 is replaced by asparagine, an amino acid with dissimilar properties. This variant has been identified in the homozygous state and/or in conjunction with other FKRP variant(s) in individual(s) with features consistent with FKRP-related dystroglycanopathies (Mercuri E et al. Ann Neurol, 2003 Apr;53:537-42; Beltran-Valero de Bernab&eacute; D et al. J Med Genet, 2004 May;41:e61; Walter MC et al. J Med Genet, 2004 Apr;41:e50; Sveen ML et al. Ann Neurol, 2006 May;59:808-15; Wahbi K et al. Neuromuscul Disord, 2008 Aug;18:650-5). In an assay testing FKRP function, this variant showed a functionally abnormal result (Henriques SF et al. Hum Mutat. 2019 Oct;40(10):1874-1885). This amino acid position is highly conserved in available vertebrate species. In addition, this alteration is predicted to be deleterious by in silico analysis. This variant is considered to be rare based on population cohorts in the Genome Aggregation Database (gnomAD). Based on the majority of available evidence to date, this variant is likely to be pathogenic.

Labcorp Genetics (formerly Invitae), Labcorp
Classification: Pathogenic for Walker-Warburg congenital muscular dystrophy. Last evaluated: 2026-01-21. Review status: criteria provided, single submitter. Criteria: Invitae Variant Classification Sherloc (09022015). Collection method: clinical testing. Allele origin: germline.
Comment: This sequence change replaces tyrosine, which is neutral and polar, with asparagine, which is neutral and polar, at codon 307 of the FKRP protein (p.Tyr307Asn). This variant is present in population databases (rs104894692, gnomAD 0.002%). This missense change has been observed in individuals with FKRP-related conditions (PMID: 12666124, 15121789, 16476814, 16634037, 18639457). ClinVar contains an entry for this variant (Variation ID: 4233). Invitae Evidence Modeling of protein sequence and biophysical properties (such as structural, functional, and spatial information, amino acid conservation, physicochemical variation, residue mobility, and thermodynamic stability) indicates that this missense variant is expected to disrupt FKRP protein function with a positive predictive value of 95%. Experimental studies have shown that this missense change affects FKRP function (PMID: 19155270, 26923585). For these reasons, this variant has been classified as Pathogenic.

Natera, Inc.
Classification: Pathogenic for Limb-girdle muscular dystrophy type 2I. Last evaluated: 2025-12-15. Review status: criteria provided, single submitter. Criteria: Natera Variant Classification Schema (03/2026). Collection method: clinical testing. Allele origin: germline.
Comment: The c.919T>A variant in FKRP is a missense variant predicted to cause substitution of tyrosine to asparagine at amino acid 307. This variant is rare in the general population with a frequency below the threshold expected for the associated phenotype(s). This variant has been observed in one or more individuals affected with the associated recessive disease, as either homozygous or compound heterozygous with a second variant (PMID: 33051673). Computational prediction algorithms indicate this variant is likely to affect gene or protein function. Given the available evidence, this variant is classified as Pathogenic.

Baylor Genetics
Classification: Pathogenic for Muscular dystrophy-dystroglycanopathy (congenital with brain and eye anomalies), type A5. Last evaluated: 2024-03-14. Review status: criteria provided, single submitter. Criteria: ACMG Guidelines, 2015. Collection method: clinical testing. Allele origin: unknown.

Women's Health and Genetics/Laboratory Corporation of America, LabCorp
Classification: Pathogenic for Autosomal recessive limb-girdle muscular dystrophy. Last evaluated: 2023-12-18. Review status: criteria provided, single submitter. Criteria: LabCorp Variant Classification Summary - May 2015. Collection method: clinical testing. Allele origin: germline.
Comment: Variant summary: FKRP c.919T>A (p.Tyr307Asn) results in a non-conservative amino acid change in the encoded protein sequence. Five of five in-silico tools predict a damaging effect of the variant on protein function. The variant allele was found at a frequency of 6.3e-06 in 158156 control chromosomes. c.919T>A has been reported in the literature in multiple individuals affected with muscle-eye-brain disease, including at-least two homozygous cases (examples, Beltran-Valero de Bernabe_2004, Mercuri_2006). These data indicate that the variant is likely to be associated with disease. At least one publication reports experimental evidence evaluating an impact on protein function. The homozygote FKRP-Neo mice knocking in the current variant results in a reduction in the laminin-binding epitope of alpha-dystroglycan in muscle, eye and brain, reduced levels of FKRP transcript and a muscle eye brain phenotype mimicking FKRP-related diseases in human (Ackroyd_2009). Four submitters have cited clinical-significance assessments for this variant to ClinVar after 2014. The following publications have been ascertained in the context of this evaluation (PMID: 19155270, 15121789, 16476814). All submitters classified the variant as pathogenic/likely pathogenic. Based on the evidence outlined above, the variant was classified as pathogenic.

CeGaT Center for Human Genetics Tuebingen
Classification: Pathogenic. Last evaluated: 2023-05-01. Review status: criteria provided, single submitter. Criteria: CeGaT Center For Human Genetics Tuebingen Variant Classification Criteria Version 2. Collection method: clinical testing. Allele origin: germline. Affected: yes. Observed: 2 variant alleles.
Comment: FKRP: PM3:Very Strong, PM2, PM5, PP3, PS3:Supporting

GeneDx
Classification: Likely pathogenic. Last evaluated: 2016-04-19. Review status: criteria provided, single submitter. Criteria: GeneDx Variant Classification (06012015). Collection method: clinical testing. Allele origin: germline. Affected: yes.
Comment: The Y307N variant in the FKRP gene has previously been reported in the homozygous state, as well as the compound heterozygous state, in association with FKRP-related disorders (Mercuri et al., 2003; Beltran-Valero de Bernabe et al., 2004; Sveen et al., 2006). In addition, missense variants in nearby residues (P305S, Y309C, R312C) have been reported in the Human Gene Mutation Database in association with FKRP-related disorders (Stenson et al., 2014), supporting the functional importance of this region of the protein. The Y307N variant is a semi-conservative amino acid substitution, which may impact secondary protein structure as these residues differ in some properties. This substitution occurs at a position that is conserved across species. In silico analysis predicts this variant is probably damaging to the protein structure/function. Additionally, the Y307N variant was not observed in approximately 5,400 individuals of European and African American ancestry in the NHLBI Exome Sequencing Project, indicating it is not a common benign variant in these populations. Therefore, the Y307N variant is a strong candidate for a pathogenic variant, however the possibility it may be a rare benign variant cannot be excluded.

Counsyl
Classification: Likely pathogenic for Autosomal recessive limb-girdle muscular dystrophy type 2I. Last evaluated: 2017-08-02. Review status: no assertion criteria provided. Collection method: clinical testing. Allele origin: unknown. Not counted in ClinVar's aggregate classification.

OMIM
Classification: Pathogenic for MUSCULAR DYSTROPHY-DYSTROGLYCANOPATHY (CONGENITAL WITH BRAIN AND EYE ANOMALIES), TYPE A, 5. Last evaluated: 2004-05-01. Review status: no assertion criteria provided. Collection method: literature only. Allele origin: germline. Not counted in ClinVar's aggregate classification.

OMIM
Classification: Pathogenic for MUSCULAR DYSTROPHY-DYSTROGLYCANOPATHY (LIMB-GIRDLE), TYPE C, 5. Last evaluated: 2004-05-01. Review status: no assertion criteria provided. Collection method: literature only. Allele origin: germline. Not counted in ClinVar's aggregate classification.

Literature cited by the submitters: PubMed 12666124 (cited by 4 submitters); PubMed 15060126 (cited by Ambry Genetics and Counsyl); PubMed 15121789 (cited by 4 submitters); PubMed 16634037 (cited by 3 submitters); PubMed 18639457 (cited by 3 submitters); PubMed 31268217 (cited by Ambry Genetics); PubMed 16476814 (cited by 3 submitters); PubMed 19155270 (cited by 3 submitters); PubMed 26923585 (cited by Labcorp Genetics (formerly Invitae), Labcorp); PubMed 33051673 (cited by Natera, Inc.).